The following is an entry in ClinVar:

ClinVar aggregate classification (germline): Uncertain significance. Review status: criteria provided, multiple submitters, no conflicts (2 of 4 stars). 4 submissions from 4 submitters: Uncertain significance (3). 1 of the submissions does not count toward it. Last evaluated 2026-01-11.

Conditions:
LYST-related disorder. Also called: LYST-related condition.
Chédiak-Higashi syndrome (CHS). Also called: Chediak-Higashi Syndrome. Identifiers: Orphanet 167, MedGen C0007965, MONDO:0008963, OMIM 214500.

Allele frequency attached by ClinVar (database versions not stated): TOPMed 0.00001; gnomAD 0.00003; gnomAD exomes 0.00007 and 0.00018; 1000 Genomes Project 30x 0.00016; 1000 Genomes Project 0.00020; ExAC 0.00021.
gnomAD v4.1: 114 of 1,614,024 alleles (0.0071%); highest among the groups gnomAD compares: South Asian, 0.12%; no homozygotes.

Submissions (4):

Labcorp Genetics (formerly Invitae), Labcorp
Classification: Uncertain significance for Chédiak-Higashi syndrome. Last evaluated: 2026-01-11. Review status: criteria provided, single submitter. Criteria: Invitae Variant Classification Sherloc (09022015). Collection method: clinical testing. Allele origin: germline.
Comment: This sequence change replaces aspartic acid, which is acidic and polar, with asparagine, which is neutral and polar, at codon 199 of the LYST protein (p.Asp199Asn). This variant is present in population databases (rs552391792, gnomAD 0.1%). This variant has not been reported in the literature in individuals affected with LYST-related conditions. ClinVar contains an entry for this variant (Variation ID: 1304957). Invitae Evidence Modeling of protein sequence and biophysical properties (such as structural, functional, and spatial information, amino acid conservation, physicochemical variation, residue mobility, and thermodynamic stability) indicates that this missense variant is not expected to disrupt LYST protein function with a negative predictive value of 80%. In summary, the available evidence is currently insufficient to determine the role of this variant in disease. Therefore, it has been classified as a Variant of Uncertain Significance.

GeneDx
Classification: Uncertain significance. Last evaluated: 2020-01-13. Review status: criteria provided, single submitter. Criteria: GeneDx Variant Classification Process June 2021. Collection method: clinical testing. Allele origin: germline. Affected: yes.
Comment: In silico analysis, which includes protein predictors and evolutionary conservation, supports that this variant does not alter protein structure/function; Has not been previously published as pathogenic or benign to our knowledge

Breakthrough Genomics
Classification: Uncertain significance. Review status: criteria provided, single submitter. Criteria: ACMG Guidelines, 2015. Collection method: not provided. Allele origin: germline. Inheritance: Autosomal recessive inheritance. Affected: yes.

PreventionGenetics, part of Exact Sciences
Classification: Likely benign for LYST-related condition. Last evaluated: 2023-02-02. Review status: no assertion criteria provided. Collection method: clinical testing. Allele origin: germline. Not counted in ClinVar's aggregate classification.
Comment: This variant is classified as likely benign based on ACMG/AMP sequence variant interpretation guidelines (Richards et al. 2015 PMID: 25741868, with internal and published modifications).

NM_000081.4(LYST):c.595G>A (p.Asp199Asn)

Gene: LYST (lysosomal trafficking regulator; minus strand). Cytogenetic location: 1q42.3.
Variant type: single nucleotide variant.
Coding change: c.595G>A on transcript NM_000081.4 (MANE Select); coding-DNA position 595, G replaced by A.
Protein change: p.Asp199Asn; replaces aspartic acid 199 with asparagine.
Molecular consequence: missense variant.
Genome position (GRCh38, 1-based): chr1:235,810,223, C>T on the plus strand (G>A on the coding strand, the complement: LYST is on the minus strand). VCF-style: chr1-235810223-C-T. GRCh37 (hg19) VCF-style: chr1-235973523-C-T.
Other names: c.595G>A, p.Asp199Asn (NM_001301365.1); c.595G>A (NM_000081.3); short protein forms D199N.
Identifiers: ClinVar variation 1304957 (VCV001304957.10), dbSNP rs552391792, ClinGen allele CA1467599.